The following is an entry in ClinVar:

NM_017668.3(NDE1):c.587C>T (p.Ser196Leu)

Gene: NDE1 (nudE neurodevelopment protein 1; plus strand). Cytogenetic location: 16p13.11.
Variant type: single nucleotide variant.
Coding change: c.587C>T on transcript NM_017668.3 (MANE Select); coding-DNA position 587, C replaced by T.
Protein change: p.Ser196Leu; replaces serine 196 with leucine.
Molecular consequence: missense variant.
Genome position (GRCh38, 1-based): chr16:15,691,207, C>T. VCF-style: chr16-15691207-C-T. GRCh37 (hg19) VCF-style: chr16-15785064-C-T.
Other names: c.587C>T, p.Ser196Leu (NM_001143979.2); short protein forms S196L.
Identifiers: ClinVar variation 3239518 (VCV003239518.19), dbSNP rs2509898757.

ClinVar aggregate classification (germline): Uncertain significance (1 of 4 stars; one submission).

Submission:

CeGaT Center for Human Genetics Tuebingen
Classification: Uncertain significance. Last evaluated: 2024-05-01. Review status: criteria provided, single submitter. Criteria: CeGaT Center For Human Genetics Tuebingen Variant Classification Criteria Version 2. Collection method: clinical testing. Allele origin: germline. Affected: yes. Observed: 1 variant allele.
Comment: NDE1: PM2, BP4